The following is an entry in ClinVar:

ClinVar aggregate classification (germline): Uncertain significance (1 of 4 stars; one submission).

Conditions:
Cystic fibrosis (CF). Also called: MUCOVISCIDOSIS. Identifiers: Orphanet 586, MedGen C0010674, MONDO:0009061, OMIM 219700. Disease mechanism: loss of function.

Submission:

Johns Hopkins Genomics, Johns Hopkins University
Classification: Uncertain significance for Cystic fibrosis. Last evaluated: 2022-12-27. Review status: criteria provided, single submitter. Criteria: ACMG Guidelines, 2015. Collection method: clinical testing. Allele origin: germline.
Comment: This CFTR variant is absent from a large population dataset and has not been reported in ClinVar nor the literature, to our knowledge. Three bioinformatic tools predict that this variant may create a cryptic splice donor site, although this has not been confirmed experimentally to our knowledge. We consider the clinical significance of CFTR c.274-1407T>G to be uncertain at this time.

NM_000492.4(CFTR):c.274-1407T>G

Gene: CFTR (CF transmembrane conductance regulator; plus strand). Cytogenetic location: 7q31.2.
Variant type: single nucleotide variant.
Coding change: c.274-1407T>G on transcript NM_000492.4 (MANE Select); 1407 bases into the intron before coding-DNA position 274, T replaced by G.
Molecular consequence: intron variant.
Genome position (GRCh38, 1-based): chr7:117,529,492, T>G. VCF-style: chr7-117529492-T-G. GRCh37 (hg19) VCF-style: chr7-117169546-T-G.
Identifiers: ClinVar variation 2443047 (VCV002443047.1), dbSNP rs1798819747, ClinGen allele CA1106306692.